The following is an entry in ClinVar:

ClinVar aggregate classification (germline): Uncertain significance (1 of 4 stars; one submission).

Conditions:
Primary ciliary dyskinesia. Also called: Ciliary dyskinesia. Identifiers: Orphanet 244, MedGen C0008780, MONDO:0016575, HP:0012265.

Submission:

Labcorp Genetics (formerly Invitae), Labcorp
Classification: Uncertain significance for Primary ciliary dyskinesia. Last evaluated: 2021-05-17. Review status: criteria provided, single submitter. Criteria: Invitae Variant Classification Sherloc (09022015). Collection method: clinical testing. Allele origin: germline.
Comment: This sequence change replaces proline with serine at codon 4466 of the DNAH11 protein (p.Pro4466Ser). The proline residue is moderately conserved and there is a moderate physicochemical difference between proline and serine. This variant is not present in population databases (ExAC no frequency). This variant has not been reported in the literature in individuals with DNAH11-related conditions. Advanced modeling of protein sequence and biophysical properties (such as structural, functional, and spatial information, amino acid conservation, physicochemical variation, residue mobility, and thermodynamic stability) performed at Invitae indicates that this missense variant is not expected to disrupt DNAH11 protein function. In summary, the available evidence is currently insufficient to determine the role of this variant in disease. Therefore, it has been classified as a Variant of Uncertain Significance.

NM_001277115.2(DNAH11):c.13396C>T (p.Pro4466Ser)

Genes: CDCA7L (cell division cycle associated 7 like; minus strand), DNAH11 (dynein axonemal heavy chain 11; plus strand). Cytogenetic location: 7p15.3.
Variant type: single nucleotide variant.
Coding change: c.13396C>T on transcript NM_001277115.2 (MANE Select); coding-DNA position 13396, C replaced by T.
Protein change: p.Pro4466Ser; replaces proline 4466 with serine.
Molecular consequence: missense variant. On other transcripts: 3 prime UTR variant (3).
Genome position (GRCh38, 1-based): chr7:21,901,099, C>T. VCF-style: chr7-21901099-C-T. GRCh37 (hg19) VCF-style: chr7-21940717-C-T.
Other names: c.*1223G>A (NM_001127370.3, NM_001127371.3, NM_018719.5); short protein forms P4466S.
Identifiers: ClinVar variation 1467325 (VCV001467325.8), dbSNP rs1784797805, ClinGen allele CA366956961.